The following is an entry in ClinVar:

NM_015272.5(RPGRIP1L):c.705G>A (p.Gln235=)

Gene: RPGRIP1L (RPGRIP1 like; minus strand). Cytogenetic location: 16q12.2.
Variant type: single nucleotide variant.
Coding change: c.705G>A on transcript NM_015272.5 (MANE Select); coding-DNA position 705, G replaced by A.
Protein change: p.Gln235=; no amino-acid change (glutamine 235 retained).
Molecular consequence: synonymous variant.
Genome position (GRCh38, 1-based): chr16:53,686,504, C>T on the plus strand (G>A on the coding strand, the complement: RPGRIP1L is on the minus strand). VCF-style: chr16-53686504-C-T. GRCh37 (hg19) VCF-style: chr16-53720416-C-T.
Other names: c.705G>A (NM_015272.4); c.705G>A, p.Gln235= (NM_001127897.4, NM_001308334.3, NM_001330538.2).
Identifiers: ClinVar variation 1159889 (VCV001159889.10), dbSNP rs752815435, ClinGen allele CA495539033.

ClinVar aggregate classification (germline): Likely benign. Review status: criteria provided, multiple submitters, no conflicts (2 of 4 stars). 2 submissions from 2 submitters: Likely benign (2). Last evaluated 2025-12-14.

Conditions:
RPGRIP1L-related disorder. Also called: RPGRIP1L-related disorders; RPGRIP1L-related condition. Identifiers: MedGen CN239416.
Joubert syndrome. Also called: JOUBERT-BOLTSHAUSER SYNDROME; Familial aplasia of the vermis. Identifiers: Orphanet 475, MedGen C5979921, MONDO:0018772.
Meckel-Gruber syndrome. Also called: DYSENCEPHALIA SPLANCHNOCYSTICA; GRUBER SYNDROME; Dysencephalia splachnocystica. Identifiers: Orphanet 564, MedGen C0265215, MONDO:0018921.

gnomAD v4.1: 3 of 1,613,676 alleles (0.00019%); highest among the groups gnomAD compares: Non-Finnish European, 0.00025%; no homozygotes.

Submissions (2):

Labcorp Genetics (formerly Invitae), Labcorp
Classification: Likely benign for Joubert syndrome; Meckel-Gruber syndrome. Last evaluated: 2025-12-14. Review status: criteria provided, single submitter. Criteria: Invitae Variant Classification Sherloc (09022015). Collection method: clinical testing. Allele origin: germline.

PreventionGenetics, part of Exact Sciences
Classification: Likely benign for RPGRIP1L-related condition. Last evaluated: 2024-10-04. Review status: criteria provided, single submitter. Criteria: ACMG Guidelines, 2015. Collection method: clinical testing. Allele origin: germline.
Comment: This variant is classified as likely benign based on ACMG/AMP sequence variant interpretation guidelines (Richards et al. 2015 PMID: 25741868, with internal and published modifications).